The following is an entry in ClinVar:

NM_033380.3(COL4A5):c.3982G>C (p.Asp1328His)

Gene: COL4A5 (collagen type IV alpha 5 chain; plus strand). Cytogenetic location: Xq22.3.
Variant type: single nucleotide variant.
Coding change: c.3982G>C on transcript NM_033380.3 (MANE Select); coding-DNA position 3982, G replaced by C.
Protein change: p.Asp1328His; replaces aspartic acid 1328 with histidine.
Molecular consequence: missense variant.
Genome position (GRCh38, 1-based): chrX:108,680,718, G>C. VCF-style: chrX-108680718-G-C. GRCh37 (hg19) VCF-style: chrX-107923948-G-C.
Other names: c.3964G>C, p.Asp1322His (NM_000495.5); short protein forms D1322H, D1328H.
Identifiers: ClinVar variation 4806035 (VCV004806035.1).

ClinVar aggregate classification (germline): Uncertain significance (1 of 4 stars; one submission).

Submission:

Labcorp Genetics (formerly Invitae), Labcorp
Classification: Uncertain significance. Last evaluated: 2025-05-25. Review status: criteria provided, single submitter. Criteria: Invitae Variant Classification Sherloc (09022015). Collection method: clinical testing. Allele origin: germline.
Comment: This sequence change replaces aspartic acid, which is acidic and polar, with histidine, which is basic and polar, at codon 1322 of the COL4A5 protein (p.Asp1322His). This variant is not present in population databases (gnomAD no frequency). This variant has not been reported in the literature in individuals affected with COL4A5-related conditions. Invitae Evidence Modeling of protein sequence and biophysical properties (such as structural, functional, and spatial information, amino acid conservation, physicochemical variation, residue mobility, and thermodynamic stability) indicates that this missense variant is not expected to disrupt COL4A5 protein function with a negative predictive value of 95%. In summary, the available evidence is currently insufficient to determine the role of this variant in disease. Therefore, it has been classified as a Variant of Uncertain Significance.